The following is an entry in ClinVar:

NM_001379286.1(ZNF423):c.2119A>G (p.Lys707Glu)

Gene: ZNF423 (zinc finger protein 423; minus strand). Cytogenetic location: 16q12.1.
Variant type: single nucleotide variant.
Coding change: c.2119A>G on transcript NM_001379286.1 (MANE Select); coding-DNA position 2119, A replaced by G.
Protein change: p.Lys707Glu; replaces lysine 707 with glutamic acid.
Molecular consequence: missense variant.
Genome position (GRCh38, 1-based): chr16:49,637,057, T>C on the plus strand (A>G on the coding strand, the complement: ZNF423 is on the minus strand). VCF-style: chr16-49637057-T-C. GRCh37 (hg19) VCF-style: chr16-49670968-T-C.
Other names: c.1915A>G, p.Lys639Glu (NM_001271620.2); c.1744A>G, p.Lys582Glu (NM_001330533.2); c.2095A>G, p.Lys699Glu (NM_015069.5); short protein forms K707E, K582E, K699E, K639E.
Identifiers: ClinVar variation 2141956 (VCV002141956.4), dbSNP rs756263731, ClinGen allele CA8046562.

ClinVar aggregate classification (germline): Uncertain significance (1 of 4 stars; one submission).

Conditions:
Nephronophthisis 14 (NPHP14). Identifiers: Orphanet 2318, MedGen C3539071, MONDO:0013916, OMIM 614844.

Allele frequency attached by ClinVar (database versions not stated): gnomAD exomes below 0.00001; ExAC 0.00001.
gnomAD v4.1: 1 of 1,613,818 alleles (0.000062%); highest among the groups gnomAD compares: Non-Finnish European, 0.000085%; no homozygotes.

Submission:

Labcorp Genetics (formerly Invitae), Labcorp
Classification: Uncertain significance for Nephronophthisis 14. Last evaluated: 2022-03-23. Review status: criteria provided, single submitter. Criteria: Invitae Variant Classification Sherloc (09022015). Collection method: clinical testing. Allele origin: germline.
Comment: This sequence change replaces lysine, which is basic and polar, with glutamic acid, which is acidic and polar, at codon 699 of the ZNF423 protein (p.Lys699Glu). In summary, the available evidence is currently insufficient to determine the role of this variant in disease. Therefore, it has been classified as a Variant of Uncertain Significance. Algorithms developed to predict the effect of missense changes on protein structure and function are either unavailable or do not agree on the potential impact of this missense change (SIFT: "Deleterious"; PolyPhen-2: "Probably Damaging"; Align-GVGD: "Class C0"). This variant has not been reported in the literature in individuals affected with ZNF423-related conditions. This variant is present in population databases (rs756263731, gnomAD 0.0009%).